The following is an entry in ClinVar:

ClinVar aggregate classification (germline): Uncertain significance (1 of 4 stars; one submission).

Conditions:
Fanconi anemia (FA). Also called: Fanconi's anemia. Identifiers: Orphanet 84, MedGen C0015625, MeSH D005199, MONDO:0019391.

Allele frequency attached by ClinVar (database versions not stated): gnomAD exomes below 0.00001.
gnomAD v4.1: 3 of 1,613,448 alleles (0.00019%); highest among the groups gnomAD compares: South Asian, 0.0033%; no homozygotes.

Submission:

Labcorp Genetics (formerly Invitae), Labcorp
Classification: Uncertain significance for Fanconi anemia. Last evaluated: 2025-06-16. Review status: criteria provided, single submitter. Criteria: Invitae Variant Classification Sherloc (09022015). Collection method: clinical testing. Allele origin: germline.
Comment: This sequence change replaces lysine, which is basic and polar, with arginine, which is basic and polar, at codon 1551 of the SLX4 protein (p.Lys1551Arg). This variant is present in population databases (no rsID available, gnomAD 0.003%). This variant has not been reported in the literature in individuals affected with SLX4-related conditions. ClinVar contains an entry for this variant (Variation ID: 2132941). An algorithm developed to predict the effect of missense changes on protein structure and function outputs the following: PolyPhen-2: "Benign". The arginine amino acid residue is found in multiple mammalian species, which suggests that this missense change does not adversely affect protein function. In summary, the available evidence is currently insufficient to determine the role of this variant in disease. Therefore, it has been classified as a Variant of Uncertain Significance.

NM_032444.4(SLX4):c.4652A>G (p.Lys1551Arg)

Gene: SLX4 (SLX4 structure-specific endonuclease subunit; minus strand). Cytogenetic location: 16p13.3.
Variant type: single nucleotide variant.
Coding change: c.4652A>G on transcript NM_032444.4 (MANE Select); coding-DNA position 4652, A replaced by G.
Protein change: p.Lys1551Arg; replaces lysine 1551 with arginine.
Molecular consequence: missense variant.
Genome position (GRCh38, 1-based): chr16:3,584,856, T>C on the plus strand (A>G on the coding strand, the complement: SLX4 is on the minus strand). VCF-style: chr16-3584856-T-C. GRCh37 (hg19) VCF-style: chr16-3634857-T-C.
Other names: short protein forms K1551R.
Identifiers: ClinVar variation 2132941 (VCV002132941.2), dbSNP rs1284986751, ClinGen allele CA394516239.
Genomic context (GRCh38, chr16:3,584,856, plus strand): 5'-GTCTCCATAATGGAATACTGTGGCATCGGCGTTATGGGCACTTTGGGGGGCAAGTTCTTC[T>C]TCCGATTAGCACCTTCTGGGTAAAACAAAAGAAGCACACGTTTTAGCATGAGGGACACGG-3'
Protein context (NP_115820.2, residues 1541-1561): GLETPKGANR[Lys1551Arg]KNLPPKVPIT